The following is an entry in ClinVar:

ClinVar aggregate classification (germline): Pathogenic (1 of 4 stars; one submission).

Submission:

Labcorp Genetics (formerly Invitae), Labcorp
Classification: Pathogenic. Last evaluated: 2022-09-05. Review status: criteria provided, single submitter. Criteria: Invitae Variant Classification Sherloc (09022015). Collection method: clinical testing. Allele origin: germline.
Comment: For these reasons, this variant has been classified as Pathogenic. This variant disrupts a region of the GRHPR protein in which other variant(s) (p.Glu113Lys) have been determined to be pathogenic (PMID: 17510093). This suggests that this is a clinically significant region of the protein, and that variants that disrupt it are likely to be disease-causing. This variant has not been reported in the literature in individuals affected with GRHPR-related conditions. This variant is a gross deletion of the genomic region encompassing exon(s) 3-6 of the GRHPR gene. This variant would be expected to be in-frame, preserving the integrity of the reading frame.

Literature cited by the submitters: PubMed 17510093.

NC_000009.11:g.(?_37425909)_(37429843_?)del

Gene: GRHPR (glyoxylate and hydroxypyruvate reductase; plus strand). Cytogenetic location: 9p13.2.
Variant type: Deletion.
Identifiers: ClinVar variation 2425774 (VCV002425774.4).